The following is an entry in ClinVar:

ClinVar aggregate classification (germline): Uncertain significance (1 of 4 stars; one submission).

Conditions:
Inborn genetic diseases. Identifiers: MedGen C0950123, MeSH D030342.

Submission:

Ambry Genetics
Classification: Uncertain significance for Inborn genetic diseases. Last evaluated: 2023-09-24. Review status: criteria provided, single submitter. Criteria: Ambry Variant Classification Scheme 2023. Collection method: clinical testing. Allele origin: germline.
Comment: The p.Y431C variant (also known as c.1292A>G), located in coding exon 10 of the KRIT1 gene, results from an A to G substitution at nucleotide position 1292. The tyrosine at codon 431 is replaced by cysteine, an amino acid with highly dissimilar properties. This amino acid position is conserved. In addition, this alteration is predicted to be deleterious by in silico analysis. Since supporting evidence is limited at this time, the clinical significance of this alteration remains unclear.

NM_194454.3(KRIT1):c.1292A>G (p.Tyr431Cys)

Gene: KRIT1 (KRIT1 ankyrin repeat containing; minus strand). Cytogenetic location: 7q21.2.
Variant type: single nucleotide variant.
Coding change: c.1292A>G on transcript NM_194454.3 (MANE Select); coding-DNA position 1292, A replaced by G.
Protein change: p.Tyr431Cys; replaces tyrosine 431 with cysteine.
Molecular consequence: missense variant.
Genome position (GRCh38, 1-based): chr7:92,222,941, T>C on the plus strand (A>G on the coding strand, the complement: KRIT1 is on the minus strand). VCF-style: chr7-92222941-T-C. GRCh37 (hg19) VCF-style: chr7-91852255-T-C.
Other names: c.1148A>G, p.Tyr383Cys (NM_001013406.2, NM_001350669.1, NM_001350670.1); c.578A>G, p.Tyr193Cys (NM_001350671.1); c.1292A>G, p.Tyr431Cys (NM_001350672.1, NM_001350673.1, NM_001350674.1 and 26 more transcripts); short protein forms Y193C, Y383C, Y431C.
Identifiers: ClinVar variation 3229473 (VCV003229473.1), dbSNP rs2535832765, ClinGen allele CA368147999.